The following is an entry in ClinVar:

NM_000260.4(MYO7A):c.2682dup (p.Arg895fs)

Gene: MYO7A (myosin VIIA; plus strand). Cytogenetic location: 11q13.5.
Variant type: Duplication.
Coding change: c.2682dup on transcript NM_000260.4 (MANE Select); coding-DNA position 2682, one base duplicated (G; older notation c.2682dupG).
Protein change: p.Arg895fs; shifts the reading frame from arginine 895.
Molecular consequence: frameshift variant.
Genome position (GRCh38, 1-based): chr11:77,180,469, G duplicated. VCF-style (leftmost placement, unchanged base first): chr11-77180468-A-AG. GRCh37 (hg19) VCF-style: chr11-76891514-A-AG.
Other names: c.2682dup, p.Arg895fs (NM_001127180.2); c.2649dup, p.Arg884fs (NM_001369365.1); short protein forms R884fs, R895fs.
Identifiers: ClinVar variation 5011810 (VCV005011810.1).
Genomic context (GRCh38, chr11:77,180,468, plus strand): 5'-TGGCGGAGGAAGAGAAGCTTCGGAAGGAGATGAGCGCCAAGAAGGCCAAGGAGGAGGCCG[A>AG]GCGCAAGCATCAGGTGAGCTGAGAGCCTCCAGGCACCTTAGGTGTCCACTTGCTGGCTTG-3'

ClinVar aggregate classification (germline): Pathogenic (1 of 4 stars; one submission).

Conditions:
Usher syndrome type 1 (USH1). Also called: RETINITIS PIGMENTOSA AND CONGENITAL DEAFNESS. Identifiers: Orphanet 231169, Orphanet 886, MedGen C1568247, MONDO:0010168, OMIM 276900.

Submission:

Myriad Genetics, Inc.
Classification: Pathogenic for Usher syndrome type 1. Last evaluated: 2023-09-27. Review status: criteria provided, single submitter. Criteria: Myriad Autosomal Dominant, Autosomal Recessive and X-Linked Classification Criteria (2023). Collection method: clinical testing. Allele origin: unknown.
Comment: NM_000260.3(MYO7A):c.2682dupG(R895Afs*13) is expected to be pathogenic in the context of MYO7A-related disorders. This variant is predicted to lead to an abnormal or absent protein product due to the creation of a premature termination codon in MYO7A, a gene where loss-of-function variants are known to be pathogenic. Please note: this variant was assessed in the context of healthy population screening.